The following is an entry in ClinVar:

NM_004415.4(DSP):c.6180T>A (p.Asp2060Glu)

Gene: DSP (desmoplakin; plus strand). Cytogenetic location: 6p24.3.
Variant type: single nucleotide variant.
Coding change: c.6180T>A on transcript NM_004415.4 (MANE Select); coding-DNA position 6180, T replaced by A.
Protein change: p.Asp2060Glu; replaces aspartic acid 2060 with glutamic acid.
Molecular consequence: missense variant.
Genome position (GRCh38, 1-based): chr6:7,583,442, T>A. VCF-style: chr6-7583442-T-A. GRCh37 (hg19) VCF-style: chr6-7583675-T-A.
Other names: c.4383T>A, p.Asp1461Glu (NM_001008844.3); c.4851T>A, p.Asp1617Glu (NM_001319034.2); short protein forms D1461E, D1617E, D2060E.
Identifiers: ClinVar variation 3757261 (VCV003757261.2).
Genomic context (GRCh38, chr6:7,583,442, plus strand): 5'-CAGCCCAGAATCCACAGTCATGCTTCTGGAGGCCCAGGCAGCTACAGGTGGTATAATTGA[T>A]CCCCATCGGAATGAGAAGCTGACTGTCGACAGTGCCATAGCTCGGGACCTCATTGACTTC-3'
Protein context (NP_004406.2, residues 2050-2070): EAQAATGGII[Asp2060Glu]PHRNEKLTVD

ClinVar aggregate classification (germline): Uncertain significance (1 of 4 stars; one submission).

Conditions:
Arrhythmogenic right ventricular dysplasia 8 (ARVD8). Also called: Arrhythmogenic Right Ventricular Dysplasia/Cardiomyopathy 8; ARRHYTHMOGENIC RIGHT VENTRICULAR DYSPLASIA, FAMILIAL, 8; ARRHYTHMOGENIC RIGHT VENTRICULAR CARDIOMYOPATHY 8. Identifiers: MedGen C1843896, MONDO:0011831, OMIM 607450.
Arrhythmogenic cardiomyopathy with wooly hair and keratoderma. Also called: PALMOPLANTAR KERATODERMA WITH LEFT VENTRICULAR CARDIOMYOPATHY AND WOOLLY HAIR; Carvajal syndrome; Dilated cardiomyopathy with woolly hair and keratoderma; Arrhythmogenic cardiomyopathy with woolly hair and keratoderma. Identifiers: Orphanet 65282, MedGen C1854063, MONDO:0011581, OMIM 605676.

Submission:

Labcorp Genetics (formerly Invitae), Labcorp
Classification: Uncertain significance for Arrhythmogenic cardiomyopathy with wooly hair and keratoderma; Arrhythmogenic right ventricular dysplasia 8. Last evaluated: 2024-07-16. Review status: criteria provided, single submitter. Criteria: Invitae Variant Classification Sherloc (09022015). Collection method: clinical testing. Allele origin: germline.
Comment: This sequence change replaces aspartic acid, which is acidic and polar, with glutamic acid, which is acidic and polar, at codon 2060 of the DSP protein (p.Asp2060Glu). This variant is not present in population databases (gnomAD no frequency). This variant has not been reported in the literature in individuals affected with DSP-related conditions. An algorithm developed to predict the effect of missense changes on protein structure and function (PolyPhen-2) suggests that this variant is likely to be disruptive. In summary, the available evidence is currently insufficient to determine the role of this variant in disease. Therefore, it has been classified as a Variant of Uncertain Significance.